The following is an entry in ClinVar:

NM_001128425.2(MUTYH):c.36+20C>A

Genes: MUTYH (mutY DNA glycosylase; minus strand), TOE1 (target of EGR1, exonuclease; plus strand). Cytogenetic location: 1p34.1.
Variant type: single nucleotide variant.
Coding change: c.36+20C>A on transcript NM_001128425.2 (MANE Plus Clinical); 20 bases into the intron after coding-DNA position 36, C replaced by A.
Molecular consequence: intron variant. On other transcripts: 5 prime UTR variant (1).
Genome position (GRCh38, 1-based): chr1:45,340,199, G>T on the plus strand (C>A on the coding strand, the complement: MUTYH is on the minus strand). VCF-style: chr1-45340199-G-T. GRCh37 (hg19) VCF-style: chr1-45805871-G-T.
Other names: c.-54G>T (NM_025077.4); c.-7+24C>A (NM_001407072.1); c.-214+20C>A (NM_001350651.2); c.-219+20C>A (NM_001293192.2); c.-278+20C>A (NM_001350650.2); c.36+20C>A (NM_001407073.1, NM_001293190.2, NM_001407069.1 and 1 more transcripts); c.-7+20C>A (NM_001048171.2); c.-7+4C>A (NM_001407070.1, NM_001407071.1).
Identifiers: ClinVar variation 182687 (VCV000182687.14), dbSNP rs540793556, ClinGen allele CA013432.

ClinVar aggregate classification (germline): Conflicting classifications of pathogenicity. Review status: criteria provided, conflicting classifications (1 of 4 stars). 4 submissions from 4 submitters: Uncertain significance (1); Likely benign (2). 1 of the submissions does not count toward it. Last evaluated 2026-02-03.

Conditions:
Hereditary cancer-predisposing syndrome. Also called: Hereditary Cancer Syndrome; Tumor predisposition; Neoplastic Syndromes, Hereditary; Hereditary neoplastic syndrome. Identifiers: Orphanet 140162, MedGen C0027672, MeSH D009386, MONDO:0015356.
Familial adenomatous polyposis 2. Also called: MUTYH-associated polyposis; MUTYH Polyposis; Adenomas, multiple colorectal; FAP type 2; ADENOMAS, MULTIPLE COLORECTAL, AUTOSOMAL RECESSIVE; COLORECTAL ADENOMATOUS POLYPOSIS, AUTOSOMAL RECESSIVE. Identifiers: Orphanet 220460, Orphanet 247798, MedGen C3272841, MONDO:0012041, OMIM 608456.

Allele frequency attached by ClinVar (database versions not stated): 1000 Genomes Project 0.00040; ExAC 0.00022; 1000 Genomes Project 30x 0.00047.
gnomAD v4.1: 129 of 1,613,538 alleles (0.008%); highest among the groups gnomAD compares: South Asian, 0.13%; 1 homozygote.

Submissions (4):

Labcorp Genetics (formerly Invitae), Labcorp
Classification: Likely benign for Familial adenomatous polyposis 2. Last evaluated: 2026-02-03. Review status: criteria provided, single submitter. Criteria: Invitae Variant Classification Sherloc (09022015). Collection method: clinical testing. Allele origin: germline.

GeneDx
Classification: Uncertain significance. Last evaluated: 2016-08-08. Review status: criteria provided, single submitter. Criteria: GeneDx Variant Classification (06012015). Collection method: clinical testing. Allele origin: germline. Affected: yes.
Comment: This variant is denoted MUTYH c.36+20C>A or IVS1+20C>A and consists of a C>A nucleotide substitution at the +20 position of intron 1 of the MUTYH gene. Multiple in silico models predict this variant to create a cryptic donor site in intron 1, and lead to abnormal splicing. However, in the absence of RNA or functional studies, the actual effect of this variant is unknown. This variant has not, to our knowledge, been published in the literature as pathogenic or benign. MUTYH c.36+20C>A was not observed in approximately 6,500 individuals of European and African American ancestry in the NHLBI Exome Sequencing Project, indicating it is not a common benign variant in these populations. The cytosine (C) nucleotide that is altered is not conserved across species. Based on currently available information, it is unclear whether MUTYH c.36+20C>A is pathogenic or benign. We consider it to be a variant of uncertain significance.

Color Diagnostics, LLC DBA Color Health
Classification: Likely benign for Hereditary cancer-predisposing syndrome. Last evaluated: 2016-05-03. Review status: criteria provided, single submitter. Criteria: ACMG Guidelines, 2015. Collection method: clinical testing. Allele origin: germline.

Counsyl
Classification: Uncertain significance for Familial adenomatous polyposis 2. Last evaluated: 2016-04-20. Review status: no assertion criteria provided. Collection method: clinical testing. Allele origin: unknown. Not counted in ClinVar's aggregate classification.